The following is an entry in ClinVar:

ClinVar aggregate classification (germline): Uncertain significance (1 of 4 stars; one submission).

Conditions:
Ectodermal dysplasia and immunodeficiency 2. Identifiers: Orphanet 238468, Orphanet 98813, MedGen C2677481, MONDO:0012806, OMIM 612132.

Submission:

Labcorp Genetics (formerly Invitae), Labcorp
Classification: Uncertain significance for Ectodermal dysplasia and immunodeficiency 2. Last evaluated: 2024-03-15. Review status: criteria provided, single submitter. Criteria: Invitae Variant Classification Sherloc (09022015). Collection method: clinical testing. Allele origin: germline.
Comment: This sequence change replaces leucine, which is neutral and non-polar, with proline, which is neutral and non-polar, at codon 139 of the NFKBIA protein (p.Leu139Pro). This variant is not present in population databases (gnomAD no frequency). This variant has not been reported in the literature in individuals affected with NFKBIA-related conditions. ClinVar contains an entry for this variant (Variation ID: 1946653). An algorithm developed to predict the effect of missense changes on protein structure and function (PolyPhen-2) suggests that this variant is likely to be disruptive. In summary, the available evidence is currently insufficient to determine the role of this variant in disease. Therefore, it has been classified as a Variant of Uncertain Significance.

NM_020529.3(NFKBIA):c.416T>C (p.Leu139Pro)

Genes: NFKBIA (NFKB inhibitor alpha; minus strand), LOC130055494 (ATAC-STARR-seq lymphoblastoid active region 8276; plus strand). Cytogenetic location: 14q13.2.
Variant type: single nucleotide variant.
Coding change: c.416T>C on transcript NM_020529.3 (MANE Select); coding-DNA position 416, T replaced by C.
Protein change: p.Leu139Pro; replaces leucine 139 with proline.
Molecular consequence: missense variant.
Genome position (GRCh38, 1-based): chr14:35,403,281, A>G on the plus strand (T>C on the coding strand, the complement: NFKBIA is on the minus strand). VCF-style: chr14-35403281-A-G. GRCh37 (hg19) VCF-style: chr14-35872487-A-G.
Other names: short protein forms L139P.
Identifiers: ClinVar variation 1946653 (VCV001946653.5), dbSNP rs2138832043, ClinGen allele CA389453422.